The following is an entry in ClinVar:

NM_005902.4(SMAD3):c.343A>G (p.Met115Val)

Gene: SMAD3 (SMAD family member 3; plus strand). Cytogenetic location: 15q22.33.
Variant type: single nucleotide variant.
Coding change: c.343A>G on transcript NM_005902.4 (MANE Select); coding-DNA position 343, A replaced by G.
Protein change: p.Met115Val; replaces methionine 115 with valine.
Molecular consequence: missense variant.
Genome position (GRCh38, 1-based): chr15:67,165,031, A>G. VCF-style: chr15-67165031-A-G. GRCh37 (hg19) VCF-style: chr15-67457369-A-G.
Other names: c.28A>G, p.Met10Val (NM_001145102.2, NM_001407015.1, NM_001407016.1); c.211A>G, p.Met71Val (NM_001145103.2); c.343A>G, p.Met115Val (NM_001407011.1, NM_001407012.1, NM_001407013.1); c.196A>G, p.Met66Val (NM_001407014.1); short protein forms M10V, M71V, M115V, M66V.
Identifiers: ClinVar variation 3016548 (VCV003016548.3), dbSNP rs2140294145, ClinGen allele CA392954082.

ClinVar aggregate classification (germline): Uncertain significance (1 of 4 stars; one submission).

Conditions:
Familial thoracic aortic aneurysm and aortic dissection (TAAD). Also called: Thoracic aortic aneurysms and dissections. Identifiers: Orphanet 91387, MedGen C4707243, MONDO:0019625.

Submission:

Labcorp Genetics (formerly Invitae), Labcorp
Classification: Uncertain significance for Familial thoracic aortic aneurysm and aortic dissection. Last evaluated: 2023-06-14. Review status: criteria provided, single submitter. Criteria: Invitae Variant Classification Sherloc (09022015). Collection method: clinical testing. Allele origin: germline.
Comment: This variant is not present in population databases (gnomAD no frequency). This sequence change replaces methionine, which is neutral and non-polar, with valine, which is neutral and non-polar, at codon 115 of the SMAD3 protein (p.Met115Val). This variant has not been reported in the literature in individuals affected with SMAD3-related conditions. Advanced modeling of protein sequence and biophysical properties (such as structural, functional, and spatial information, amino acid conservation, physicochemical variation, residue mobility, and thermodynamic stability) performed at Invitae indicates that this missense variant is not expected to disrupt SMAD3 protein function. In summary, the available evidence is currently insufficient to determine the role of this variant in disease. Therefore, it has been classified as a Variant of Uncertain Significance.